The following is an entry in ClinVar:

NM_000463.3(UGT1A1):c.1590C>T (p.Ser530=)

Genes: UGT1A6 (UDP glucuronosyltransferase family 1 member A6; plus strand), UGT1A7 (UDP glucuronosyltransferase family 1 member A7; plus strand), UGT1A8 (UDP glucuronosyltransferase family 1 member A8; plus strand), UGT1A9 (UDP glucuronosyltransferase family 1 member A9; plus strand), UGT1A5 (UDP glucuronosyltransferase family 1 member A5; plus strand) and 5 more. Cytogenetic location: 2q37.1.
Variant type: single nucleotide variant.
Coding change: c.1590C>T on transcript NM_000463.3 (MANE Select); coding-DNA position 1590, C replaced by T.
Protein change: p.Ser530=; no amino-acid change (serine 530 retained).
Molecular consequence: synonymous variant.
Genome position (GRCh38, 1-based): chr2:233,772,547, C>T. VCF-style: chr2-233772547-C-T. GRCh37 (hg19) VCF-style: chr2-234681193-C-T.
Other names: c.1581C>T, p.Ser527= (NM_019075.4, NM_019076.5, NM_019077.3 and 1 more transcripts); c.1587C>T, p.Ser529= (NM_001072.4); c.786C>T, p.Ser262= (NM_205862.3); c.1593C>T, p.Ser531= (NM_019078.2, NM_007120.3, NM_019093.4).
Identifiers: ClinVar variation 2909068 (VCV002909068.5), dbSNP rs893937967, ClinGen allele CA67599961.
Genomic context (GRCh38, chr2:233,772,547, plus strand): 5'-TGCTTATGGCTACCGGAAATGCTTGGGGAAAAAAGGGCGAGTTAAGAAAGCCCACAAATC[C>T]AAGACCCATTGAGAAGTGGGTGGGAAATAAGGTAAAATTTTGAACCATTCCCTAGTCATT-3'
Protein context (NP_000454.1, residues 520-533): KKGRVKKAHK[Ser530=]KTH

ClinVar aggregate classification (germline): Likely benign. Review status: criteria provided, single submitter (1 of 4 stars). 2 submissions from 2 submitters: Likely benign (1). 1 of the submissions does not count toward it. Last evaluated 2025-12-14.

Conditions:
UGT1A1-related disorder. Also called: UGT1A1-related condition; UGT1A1-related disorders.

Allele frequency attached by ClinVar (database versions not stated): TOPMed 0.00001.

Submissions (2):

Labcorp Genetics (formerly Invitae), Labcorp
Classification: Likely benign. Last evaluated: 2025-12-14. Review status: criteria provided, single submitter. Criteria: Invitae Variant Classification Sherloc (09022015). Collection method: clinical testing. Allele origin: germline.

PreventionGenetics, part of Exact Sciences
Classification: Likely benign for UGT1A1-related condition. Last evaluated: 2021-03-08. Review status: no assertion criteria provided. Collection method: clinical testing. Allele origin: germline. Not counted in ClinVar's aggregate classification.
Comment: This variant is classified as likely benign based on ACMG/AMP sequence variant interpretation guidelines (Richards et al. 2015 PMID: 25741868, with internal and published modifications).